The following is an entry in ClinVar:

ClinVar aggregate classification (germline): Pathogenic/Likely pathogenic. Review status: criteria provided, multiple submitters, no conflicts (2 of 4 stars). 3 submissions from 3 submitters: Pathogenic (2); Likely pathogenic (1). Last evaluated 2026-01-12.

Conditions:
PDE6B-related disorder. Also called: PDE6B-related disease; PDE6B-related condition; PDE6B-related disorders.

Allele frequency attached by ClinVar (database versions not stated): ESP Exome Variant Server 0.00015; TOPMed 0.00020.
gnomAD v4.1: 30 of 1,613,206 alleles (0.0019%); highest among the groups gnomAD compares: African/African-American, 0.033%; no homozygotes.

Submissions (3):

Labcorp Genetics (formerly Invitae), Labcorp
Classification: Pathogenic. Last evaluated: 2026-01-12. Review status: criteria provided, single submitter. Criteria: Invitae Variant Classification Sherloc (09022015). Collection method: clinical testing. Allele origin: germline.
Comment: This sequence change replaces aspartic acid, which is acidic and polar, with tyrosine, which is neutral and polar, at codon 718 of the PDE6B protein (p.Asp718Tyr). This variant is present in population databases (rs150639487, gnomAD 0.04%). This missense change has been observed in individual(s) with clinical features of autosomal recessive retinitis pigmentosa (PMID: 30998820; internal data). In at least one individual the data is consistent with being in trans (on the opposite chromosome) from a pathogenic variant. ClinVar contains an entry for this variant (Variation ID: 865898). Invitae Evidence Modeling of protein sequence and biophysical properties (such as structural, functional, and spatial information, amino acid conservation, physicochemical variation, residue mobility, and thermodynamic stability) indicates that this missense variant is expected to disrupt PDE6B protein function with a positive predictive value of 95%. This variant disrupts the p.Asp718 amino acid residue in PDE6B. Other variant(s) that disrupt this residue have been observed in individuals with PDE6B-related conditions (internal data), which suggests that this may be a clinically significant amino acid residue. For these reasons, this variant has been classified as Pathogenic.

PreventionGenetics, part of Exact Sciences
Classification: Likely pathogenic for PDE6B-related condition. Last evaluated: 2025-06-05. Review status: criteria provided, single submitter. Criteria: ACMG Guidelines, 2015. Collection method: clinical testing. Allele origin: germline.
Comment: The PDE6B c.2152G>T variant is predicted to result in the amino acid substitution p.Asp718Tyr. This variant has been reported in the homozygous state in an individual with rod-cone dystrophy (Table S2, Khateb et al. 2019. PubMed ID: 30998820) and reported along with a second PDE6B missense variant in an individual from a large cohort study of retinal disease (Table S4, Panneman et al. 2023. PubMed ID: 36819107). This variant is predicted to be damaging to the encoded protein (Liu et al. 2016. PMID:26555599). This variant is present in 0.040% of alleles in individuals of African descent in gnomAD. Given the evidence, we interpret this variant as likely pathogenic.

Blueprint Genetics
Classification: Pathogenic for PDE6B-related disorders. Last evaluated: 2022-06-10. Review status: criteria provided, single submitter. Criteria: ACMG Guidelines, 2015. Collection method: clinical testing. Allele origin: germline. Affected: yes. Observed: 5 variant alleles.

Literature cited by the submitters: PubMed 30998820 (cited by Labcorp Genetics (formerly Invitae), Labcorp).

NM_000283.4(PDE6B):c.2152G>T (p.Asp718Tyr)

Gene: PDE6B (phosphodiesterase 6B; plus strand). Cytogenetic location: 4p16.3.
Variant type: single nucleotide variant.
Coding change: c.2152G>T on transcript NM_000283.4 (MANE Select); coding-DNA position 2152, G replaced by T.
Protein change: p.Asp718Tyr; replaces aspartic acid 718 with tyrosine.
Molecular consequence: missense variant.
Genome position (GRCh38, 1-based): chr4:664,903, G>T. VCF-style: chr4-664903-G-T. GRCh37 (hg19) VCF-style: chr4-658692-G-T.
Other names: c.2152G>T, p.Asp718Tyr (NM_001145291.2); c.1315G>T, p.Asp439Tyr (NM_001145292.2, NM_001350154.3, NM_001379246.1 and 1 more transcripts); c.997G>T, p.Asp333Tyr (NM_001350155.3); short protein forms D439Y, D333Y, D718Y.
Identifiers: ClinVar variation 865898 (VCV000865898.12), dbSNP rs150639487, ClinGen allele CA2794913.
Genomic context (GRCh38, chr4:664,903, plus strand): 5'-GACGCCCATCAGCACTCGTGCCCGGTTTGTGTCTGCAGGGCCATGATGATGACAGCCTGC[G>T]ACCTGTCTGCCATCACCAAGCCCTGGGAAGTCCAGAGCAAGGTTAGAACAGAGGGCCCTC-3'
Protein context (NP_000274.3, residues 708-728): IVMAMMMTAC[Asp718Tyr]LSAITKPWEV